The following is an entry in ClinVar:

ClinVar aggregate classification (germline): Uncertain significance (1 of 4 stars; one submission).

Submission:

GeneDx
Classification: Uncertain significance. Last evaluated: 2025-06-03. Review status: criteria provided, single submitter. Criteria: GeneDx Variant Classification Process June 2021. Collection method: clinical testing. Allele origin: germline. Affected: yes.
Comment: Not observed at significant frequency in large population cohorts (gnomAD); In silico analysis suggests that this missense variant does not alter protein structure/function; In silico analysis is inconclusive as to whether the variant alters gene splicing. In the absence of RNA/functional studies, the actual effect of this sequence change is unknown.; Has not been previously published as pathogenic or benign to our knowledge

NM_052867.4(NALCN):c.556C>A (p.Leu186Ile)

Gene: NALCN (sodium leak channel, non-selective; minus strand). Cytogenetic location: 13q33.1.
Variant type: single nucleotide variant.
Coding change: c.556C>A on transcript NM_052867.4 (MANE Select); coding-DNA position 556, C replaced by A.
Protein change: p.Leu186Ile; replaces leucine 186 with isoleucine.
Molecular consequence: missense variant.
Genome position (GRCh38, 1-based): chr13:101,376,788, G>T on the plus strand (C>A on the coding strand, the complement: NALCN is on the minus strand). VCF-style: chr13-101376788-G-T. GRCh37 (hg19) VCF-style: chr13-102029139-G-T.
Other names: c.556C>A, p.Leu186Ile (NM_001350748.2, NM_001350749.2, NM_001350750.2 and 1 more transcripts); short protein forms L186I.
Identifiers: ClinVar variation 4536245 (VCV004536245.1).
Genomic context (GRCh38, chr13:101,376,788, plus strand): 5'-GATAAGTAAATGTTCCAAACATCTGAACTCCTAAAATTCCATAAAGAAGTAGAAAGAAAA[G>T]TAGAAAAATGGAAACACTCCATATTTGTTCTCCCGATCGCCTAGAGAAACAAAAGTAGGT-3'
Protein context (NP_443099.1, residues 176-196): EQIWSVSIFL[Leu186Ile]FFLLLYGILG